The following is an entry in ClinVar:

NM_004562.3(PRKN):c.519G>A (p.Thr173=)

Genes: PRKN (parkin RBR E3 ubiquitin protein ligase; minus strand), LOC126859871 (MED14-independent group 3 enhancer GRCh37_chr6:162621359-162622558; plus strand). Cytogenetic location: 6q26.
Variant type: single nucleotide variant.
Coding change: c.519G>A on transcript NM_004562.3 (MANE Select); coding-DNA position 519, G replaced by A.
Protein change: p.Thr173=; no amino-acid change (threonine 173 retained).
Molecular consequence: synonymous variant. On other transcripts: intron variant (1).
Genome position (GRCh38, 1-based): chr6:162,201,146, C>T on the plus strand (G>A on the coding strand, the complement: PRKN is on the minus strand). VCF-style: chr6-162201146-C-T. GRCh37 (hg19) VCF-style: chr6-162622178-C-T.
Other names: c.519G>A, p.Thr173= (NM_013987.3); c.172-227729G>A (NM_013988.3).
Identifiers: ClinVar variation 2137289 (VCV002137289.10), dbSNP rs757533563, ClinGen allele CA4090343.

ClinVar aggregate classification (germline): Likely benign. Review status: criteria provided, multiple submitters, no conflicts (2 of 4 stars). 2 submissions from 2 submitters: Likely benign (2). Last evaluated 2025-11-01.

Allele frequency attached by ClinVar (database versions not stated): gnomAD 0.00001; gnomAD exomes 0.00002; ExAC 0.00003.
gnomAD v4.1: 31 of 1,613,980 alleles (0.0019%); highest among the groups gnomAD compares: Middle Eastern, 0.016%; no homozygotes.

Submissions (2):

CeGaT Center for Human Genetics Tuebingen
Classification: Likely benign. Last evaluated: 2025-11-01. Review status: criteria provided, single submitter. Criteria: CeGaT Center For Human Genetics Tuebingen Variant Classification Criteria Version 2. Collection method: clinical testing. Allele origin: germline. Affected: yes. Observed: 1 variant allele.
Comment: PRKN: BP4, BP7

Labcorp Genetics (formerly Invitae), Labcorp
Classification: Likely benign. Last evaluated: 2022-10-17. Review status: criteria provided, single submitter. Criteria: Invitae Variant Classification Sherloc (09022015). Collection method: clinical testing. Allele origin: germline.